The following is an entry in ClinVar:

ClinVar aggregate classification (germline): Benign. Review status: criteria provided, multiple submitters, no conflicts (2 of 4 stars). 3 submissions from 3 submitters: Benign (3). Last evaluated 2022-07-01.

Allele frequency attached by ClinVar (database versions not stated): 1000 Genomes Project 30x 0.00187; 1000 Genomes Project 0.00220; TOPMed 0.00444; ESP Exome Variant Server 0.00677; gnomAD exomes 0.00772 and 0.00820; gnomAD 0.00794 and 0.00887; ExAC 0.00828.
gnomAD v4.1: 12,379 of 1,614,168 alleles (0.77%); highest among the groups gnomAD compares: Non-Finnish European, 0.79%; 101 homozygotes.

Submissions (3):

CeGaT Center for Human Genetics Tuebingen
Classification: Benign. Last evaluated: 2022-07-01. Review status: criteria provided, single submitter. Criteria: CeGaT Center For Human Genetics Tuebingen Variant Classification Criteria Version 2. Collection method: clinical testing. Allele origin: germline. Affected: yes. Observed: 1 variant allele.
Comment: UPF2: BS1, BS2

Labcorp Genetics (formerly Invitae), Labcorp
Classification: Benign. Last evaluated: 2019-12-31. Review status: criteria provided, single submitter. Criteria: Invitae Variant Classification Sherloc (09022015). Collection method: clinical testing. Allele origin: germline.

Breakthrough Genomics
Classification: Benign. Review status: criteria provided, single submitter. Criteria: ACMG Guidelines, 2015. Collection method: not provided. Allele origin: germline. Inheritance: Unknown mechanism. Affected: yes.

NM_015542.4(UPF2):c.573T>C (p.His191=)

Gene: UPF2 (UPF2 regulator of nonsense mediated mRNA decay; minus strand). Cytogenetic location: 10p14.
Variant type: single nucleotide variant.
Coding change: c.573T>C on transcript NM_015542.4 (MANE Select); coding-DNA position 573, T replaced by C.
Protein change: p.His191=; no amino-acid change (histidine 191 retained).
Molecular consequence: synonymous variant.
Genome position (GRCh38, 1-based): chr10:12,029,317, A>G on the plus strand (T>C on the coding strand, the complement: UPF2 is on the minus strand). VCF-style: chr10-12029317-A-G. GRCh37 (hg19) VCF-style: chr10-12071316-A-G.
Other names: c.573T>C, p.His191= (NM_080599.3).
Identifiers: ClinVar variation 719186 (VCV000719186.29), dbSNP rs78315861, ClinGen allele CA5407266.